The following is an entry in ClinVar:

NM_001164665.2(KIAA1549):c.2782del (p.Thr928fs)

Gene: KIAA1549 (KIAA1549; minus strand). Cytogenetic location: 7q34.
Variant type: Deletion.
Coding change: c.2782del on transcript NM_001164665.2 (MANE Select); coding-DNA position 2782, one base deleted (A; older notation c.2782delA).
Protein change: p.Thr928fs; shifts the reading frame from threonine 928.
Molecular consequence: frameshift variant.
Genome position (GRCh38, 1-based): chr7:138,916,844, T deleted on the plus strand (A on the coding strand, the reverse complement: KIAA1549 is on the minus strand). VCF-style (leftmost placement, unchanged base first): chr7-138916843-GT-G. GRCh37 (hg19) VCF-style: chr7-138601589-GT-G.
Other names: c.2782del, p.Thr928fs (NM_020910.3); short protein forms T928fs.
Identifiers: ClinVar variation 2100192 (VCV002100192.4), dbSNP rs1415159992, ClinGen allele CA578622176.

ClinVar aggregate classification (germline): Conflicting classifications of pathogenicity. Review status: criteria provided, conflicting classifications (1 of 4 stars). 2 submissions from 2 submitters: Likely pathogenic (1); Uncertain significance (1). Last evaluated 2022-08-05.

Conditions:
KIAA1549-related disorder. Also called: KIAA1549-related condition.

Allele frequency attached by ClinVar (database versions not stated): gnomAD exomes below 0.00001; TOPMed below 0.00001; gnomAD 0.00001.

Submissions (2):

Labcorp Genetics (formerly Invitae), Labcorp
Classification: Uncertain significance. Last evaluated: 2022-08-05. Review status: criteria provided, single submitter. Criteria: Invitae Variant Classification Sherloc (09022015). Collection method: clinical testing. Allele origin: germline.
Comment: In summary, the available evidence is currently insufficient to determine the role of this variant in disease. Therefore, it has been classified as a Variant of Uncertain Significance. This variant has not been reported in the literature in individuals affected with KIAA1549-related conditions. This variant is present in population databases (no rsID available, gnomAD 0.0009%). This sequence change creates a premature translational stop signal (p.Thr928Leufs*29) in the KIAA1549 gene. It is expected to result in an absent or disrupted protein product. However, the current clinical and genetic evidence is not sufficient to establish whether loss-of-function variants in KIAA1549 cause disease.

Blueprint Genetics
Classification: Likely pathogenic for KIAA1549-related disorders. Last evaluated: 2021-10-11. Review status: criteria provided, single submitter. Criteria: ACMG Guidelines, 2015. Collection method: clinical testing. Allele origin: germline. Affected: yes. Observed: 2 variant alleles.